The following is an entry in ClinVar:

ClinVar aggregate classification (germline): Uncertain significance. Review status: criteria provided, multiple submitters, no conflicts (2 of 4 stars). 2 submissions from 2 submitters: Uncertain significance (2). Last evaluated 2025-10-08.

Conditions:
Cardiovascular phenotype. Identifiers: MedGen CN230736.
Myofibrillar myopathy 5. Also called: Filaminopathy (type); FILAMINOPATHY, AUTOSOMAL DOMINANT. Identifiers: Orphanet 171445, MedGen C1836050, MONDO:0012289, OMIM 609524.
Distal myopathy with posterior leg and anterior hand involvement. Also called: WILLIAMS DISTAL MYOPATHY. Identifiers: Orphanet 63273, MedGen C3279722, MONDO:0013550, OMIM 614065.
Hypertrophic cardiomyopathy 26. Also called: Cardiomyopathy, familial hypertrophic, 26. Identifiers: Orphanet 75249, MedGen C4310749, MONDO:0014883, OMIM 617047.

Allele frequency attached by ClinVar (database versions not stated): gnomAD exomes 0.00002.
gnomAD v4.1: 31 of 1,612,584 alleles (0.0019%); highest among the groups gnomAD compares: Non-Finnish European, 0.0025%; no homozygotes.

Submissions (2):

Labcorp Genetics (formerly Invitae), Labcorp
Classification: Uncertain significance for Distal myopathy with posterior leg and anterior hand involvement; Myofibrillar myopathy 5; Hypertrophic cardiomyopathy 26. Last evaluated: 2025-10-08. Review status: criteria provided, single submitter. Criteria: Invitae Variant Classification Sherloc (09022015). Collection method: clinical testing. Allele origin: germline.
Comment: This sequence change replaces lysine, which is basic and polar, with arginine, which is basic and polar, at codon 703 of the FLNC protein (p.Lys703Arg). This variant is not present in population databases (gnomAD no frequency). This variant has not been reported in the literature in individuals affected with FLNC-related conditions. ClinVar contains an entry for this variant (Variation ID: 1500383). Invitae Evidence Modeling of protein sequence and biophysical properties (such as structural, functional, and spatial information, amino acid conservation, physicochemical variation, residue mobility, and thermodynamic stability) has been performed for this missense variant. However, the output from this modeling did not meet the statistical confidence thresholds required to predict the impact of this variant on FLNC protein function. In summary, the available evidence is currently insufficient to determine the role of this variant in disease. Therefore, it has been classified as a Variant of Uncertain Significance.

Ambry Genetics
Classification: Uncertain significance for Cardiovascular phenotype. Last evaluated: 2025-07-21. Review status: criteria provided, single submitter. Criteria: Ambry Variant Classification Scheme 2023. Collection method: clinical testing. Allele origin: germline.
Comment: The p.K703R variant (also known as c.2108A>G), located in coding exon 13 of the FLNC gene, results from an A to G substitution at nucleotide position 2108. The lysine at codon 703 is replaced by arginine, an amino acid with highly similar properties. This amino acid position is well conserved in available vertebrate species. In addition, this alteration is predicted to be tolerated by in silico analysis. Since supporting evidence is limited at this time, the clinical significance of this alteration remains unclear.

NM_001458.5(FLNC):c.2108A>G (p.Lys703Arg)

Gene: FLNC (filamin C; plus strand). Cytogenetic location: 7q32.1.
Variant type: single nucleotide variant.
Coding change: c.2108A>G on transcript NM_001458.5 (MANE Select); coding-DNA position 2108, A replaced by G.
Protein change: p.Lys703Arg; replaces lysine 703 with arginine.
Molecular consequence: missense variant.
Genome position (GRCh38, 1-based): chr7:128,841,554, A>G. VCF-style: chr7-128841554-A-G. GRCh37 (hg19) VCF-style: chr7-128481608-A-G.
Other names: c.2108A>G, p.Lys703Arg (NM_001127487.2); short protein forms K703R.
Identifiers: ClinVar variation 1500383 (VCV001500383.9), dbSNP rs753914864, ClinGen allele CA166217518.